The following is an entry in ClinVar:

NM_033109.5(PNPT1):c.1552G>T (p.Asp518Tyr)

Gene: PNPT1 (polyribonucleotide nucleotidyltransferase 1; minus strand). Cytogenetic location: 2p16.1.
Variant type: single nucleotide variant.
Coding change: c.1552G>T on transcript NM_033109.5 (MANE Select); coding-DNA position 1552, G replaced by T.
Protein change: p.Asp518Tyr; replaces aspartic acid 518 with tyrosine.
Molecular consequence: missense variant.
Genome position (GRCh38, 1-based): chr2:55,647,397, C>A on the plus strand (G>T on the coding strand, the complement: PNPT1 is on the minus strand). VCF-style: chr2-55647397-C-A. GRCh37 (hg19) VCF-style: chr2-55874532-C-A.
Other names: short protein forms D518Y.
Identifiers: ClinVar variation 1434059 (VCV001434059.8), dbSNP rs201931980, ClinGen allele CA346926051.

ClinVar aggregate classification (germline): Uncertain significance (1 of 4 stars; one submission).

Submission:

Labcorp Genetics (formerly Invitae), Labcorp
Classification: Uncertain significance. Last evaluated: 2022-09-07. Review status: criteria provided, single submitter. Criteria: Invitae Variant Classification Sherloc (09022015). Collection method: clinical testing. Allele origin: germline.
Comment: In summary, the available evidence is currently insufficient to determine the role of this variant in disease. Therefore, it has been classified as a Variant of Uncertain Significance. Advanced modeling of protein sequence and biophysical properties (such as structural, functional, and spatial information, amino acid conservation, physicochemical variation, residue mobility, and thermodynamic stability) performed at Invitae indicates that this missense variant is not expected to disrupt PNPT1 protein function. ClinVar contains an entry for this variant (Variation ID: 1434059). This variant has not been reported in the literature in individuals affected with PNPT1-related conditions. This variant is not present in population databases (gnomAD no frequency). This sequence change replaces aspartic acid, which is acidic and polar, with tyrosine, which is neutral and polar, at codon 518 of the PNPT1 protein (p.Asp518Tyr).